The following is an entry in ClinVar:

NM_005664.4(MKRN3):c.208_214dup (p.Leu72fs)

Gene: MKRN3 (makorin ring finger protein 3; plus strand). Cytogenetic location: 15q11.2.
Variant type: Duplication.
Coding change: c.208_214dup on transcript NM_005664.4 (MANE Select); coding-DNA positions 208 to 214, 7 bases duplicated (GGAGGCC; older notation c.208_214dupGGAGGCC).
Protein change: p.Leu72fs; shifts the reading frame from leucine 72.
Molecular consequence: frameshift variant.
Genome position (GRCh38, 1-based): chr15:23,565,990-23,565,996, GGAGGCC duplicated. VCF-style (leftmost placement, unchanged base first): chr15-23565989-A-AGGAGGCC. GRCh37 (hg19) VCF-style: chr15-23811136-A-AGGAGGCC.
Other names: short protein forms L72fs.
Identifiers: ClinVar variation 817441 (VCV000817441.1), dbSNP rs1595298328, ClinGen allele CA915946474.

ClinVar aggregate classification (germline): Likely pathogenic (1 of 4 stars; one submission).

Submission:

GeneDx
Classification: Likely pathogenic. Last evaluated: 2019-02-21. Review status: criteria provided, single submitter. Criteria: GeneDx Variant Classification (06012015). Collection method: clinical testing. Allele origin: germline. Affected: yes.
Comment: The c.208_214dupGGAGGCC variant in the MKRN3 gene has not been reported previously as a pathogenic variant nor as a benign variant, to our knowledge. The c.208_214dupGGAGGCC variant causes a frameshift starting with codon Leucine 72, changes this amino acid to an Arginine residue, and creates a premature Stop codon at position 60 of the new reading frame, denoted p.Leu72ArgfsX60. This variant is predicted to cause loss of normal protein function through protein truncation, as the last 436 amino acids are lost and replaced with 59 incorrect amino acids. The c.208_214dupGGAGGCC variant is not observed in large population cohorts (Lek et al., 2016). We interpret c.208_214dupGGAGGCC as a likely pathogenic variant.